The following is an entry in ClinVar:

NM_001352027.3(PHF21A):c.1548_1551dup (p.Pro518fs)

Gene: PHF21A (PHD finger protein 21A; minus strand). Cytogenetic location: 11p11.2.
Variant type: Duplication.
Coding change: c.1548_1551dup on transcript NM_001352027.3 (MANE Select); coding-DNA positions 1548 to 1551, 4 bases duplicated (AGAC; older notation c.1548_1551dupAGAC).
Protein change: p.Pro518fs; shifts the reading frame from proline 518.
Molecular consequence: frameshift variant. On other transcripts: non-coding transcript variant (2), intron variant (1).
Genome position (GRCh38, 1-based): chr11:45,938,214-45,938,217, GTCT duplicated on the plus strand (AGAC on the coding strand, the reverse complement: PHF21A is on the minus strand). VCF-style (leftmost placement, unchanged base first): chr11-45938213-G-GGTCT. GRCh37 (hg19) VCF-style: chr11-45959764-G-GGTCT.
Other names: c.1450-1648_1450-1645dup (NM_001441171.1); c.1545_1548dup, p.Pro517fs (NM_001101802.3); c.1548_1551dup, p.Pro518fs (NM_001352025.3, NM_001352026.3, NM_001441170.1); c.1407_1410dup, p.Pro471fs (NM_001352028.1, NM_001352029.1, NM_016621.5); c.1404_1407dup, p.Pro470fs (NM_001352030.3, NM_001352031.3, NM_001352032.3); c.1569_1572dup, p.Pro525fs (NM_001441167.1, NM_001441168.1); c.1566_1569dup, p.Pro524fs (NM_001441169.1); c.1296_1299dup, p.Pro434fs (NM_001441172.1); short protein forms P434fs, P470fs, P471fs, P517fs, P518fs, P524fs, P525fs.
Identifiers: ClinVar variation 5019999 (VCV005019999.1).
Genomic context (GRCh38, chr11:45,938,213, plus strand): 5'-GTACCTGGTCCTGACATCTGGGACAGATCCACATGCCCTTGGGAATTGTTTTCAGAGGGG[G>GGTCT]GTCTAAGCAGTCCAAATGATATACACGGGAACATGTGTCGCACATCAGTAACTGGCCACT-3'

ClinVar aggregate classification (germline): Likely pathogenic (1 of 4 stars; one submission).

Conditions:
Intellectual developmental disorder with behavioral abnormalities and craniofacial dysmorphism with or without seizures. Identifiers: MedGen C5231476, MONDO:0032883, OMIM 618725.

Submission:

Juno Genomics, Hangzhou Juno Genomics, Inc
Classification: Likely pathogenic for Intellectual developmental disorder with behavioral abnormalities and craniofacial dysmorphism with or without seizures. Review status: criteria provided, single submitter. Criteria: ACMG Guidelines, 2015. Collection method: clinical testing. Allele origin: germline. Affected: yes.
Comment: Absent from controls (or at extremely low frequency if recessive) in Genome Aggregation Database.;Null variant in a gene where loss of function (LOF) is a known mechanism of disease.